The following is an entry in ClinVar:

NM_138420.4(AHNAK2):c.6003G>T (p.Ser2001=)

Gene: AHNAK2 (AHNAK nucleoprotein 2; minus strand). Cytogenetic location: 14q32.33.
Variant type: single nucleotide variant.
Coding change: c.6003G>T on transcript NM_138420.4 (MANE Select); coding-DNA position 6003, G replaced by T.
Protein change: p.Ser2001=; no amino-acid change (serine 2001 retained).
Molecular consequence: synonymous variant.
Genome position (GRCh38, 1-based): chr14:104,949,448, C>A on the plus strand (G>T on the coding strand, the complement: AHNAK2 is on the minus strand). VCF-style: chr14-104949448-C-A. GRCh37 (hg19) VCF-style: chr14-105415785-C-A.
Other names: c.5703G>T, p.Ser1901= (NM_001350929.2).
Identifiers: ClinVar variation 4681481 (VCV004681481.5).
Genomic context (GRCh38, chr14:104,949,448, plus strand): 5'-GTCGGCCTCCACCTTGGGTGCAGGCACATCCACCGAGGCCTCGATGGACCTCCCTGGGGC[C>A]GATACCCCGAACGACGGCATCTTGAATTTGGGCATTTTGAACTTGCTGTCTTTGGCAGTC-3'
Protein context (NP_612429.2, residues 1991-2011): PKFKMPSFGV[Ser2001=]APGRSIEASV

ClinVar aggregate classification (germline): Likely benign (1 of 4 stars; one submission).

Submission:

CeGaT Center for Human Genetics Tuebingen
Classification: Likely benign. Last evaluated: 2025-11-01. Review status: criteria provided, single submitter. Criteria: CeGaT Center For Human Genetics Tuebingen Variant Classification Criteria Version 2. Collection method: clinical testing. Allele origin: germline. Affected: yes. Observed: 1 variant allele.
Comment: AHNAK2: BP4, BP7